The following is an entry in ClinVar:

ClinVar aggregate classification (germline): Uncertain significance (1 of 4 stars; one submission).

Conditions:
Familial infantile myasthenia (CMS6). Also called: MYASTHENIC SYNDROME, PRESYNAPTIC, CONGENITAL, ASSOCIATED WITH EPISODIC APNEA; MYASTHENIC SYNDROME, CONGENITAL, 6, PRESYNAPTIC; Congenital myasthenic syndrome type 6. Identifiers: Orphanet 590, MedGen C0393929, MONDO:0009689, OMIM 254210.

Allele frequency attached by ClinVar (database versions not stated): gnomAD exomes below 0.00001.
gnomAD v4.1: 1 of 1,613,862 alleles (0.000062%); highest among the groups gnomAD compares: East Asian, 0.0022%; no homozygotes.

Submission:

Labcorp Genetics (formerly Invitae), Labcorp
Classification: Uncertain significance for Familial infantile myasthenia. Last evaluated: 2022-02-03. Review status: criteria provided, single submitter. Criteria: Invitae Variant Classification Sherloc (09022015). Collection method: clinical testing. Allele origin: germline.
Comment: ClinVar contains an entry for this variant (Variation ID: 955507). In summary, the available evidence is currently insufficient to determine the role of this variant in disease. Therefore, it has been classified as a Variant of Uncertain Significance. Advanced modeling of protein sequence and biophysical properties (such as structural, functional, and spatial information, amino acid conservation, physicochemical variation, residue mobility, and thermodynamic stability) performed at Invitae indicates that this missense variant is not expected to disrupt CHAT protein function. This variant has not been reported in the literature in individuals affected with CHAT-related conditions. This variant is present in population databases (no rsID available, gnomAD 0.006%). This sequence change replaces histidine, which is basic and polar, with proline, which is neutral and non-polar, at codon 494 of the CHAT protein (p.His494Pro).

NM_020549.5(CHAT):c.1481A>C (p.His494Pro)

Gene: CHAT (choline O-acetyltransferase; plus strand). Cytogenetic location: 10q11.23.
Variant type: single nucleotide variant.
Coding change: c.1481A>C on transcript NM_020549.5 (MANE Select); coding-DNA position 1481, A replaced by C.
Protein change: p.His494Pro; replaces histidine 494 with proline.
Molecular consequence: missense variant.
Genome position (GRCh38, 1-based): chr10:49,649,606, A>C. VCF-style: chr10-49649606-A-C. GRCh37 (hg19) VCF-style: chr10-50857652-A-C.
Other names: c.1127A>C, p.His376Pro (NM_001142929.2, NM_001142934.2, NM_020984.4 and 2 more transcripts); c.1235A>C, p.His412Pro (NM_001142933.2); short protein forms H494P, H376P, H412P.
Identifiers: ClinVar variation 955507 (VCV000955507.9), dbSNP rs1247659665, ClinGen allele CA376743931.
Genomic context (GRCh38, chr10:49,649,606, plus strand): 5'-TCAGCGAGCTCCCCGCCCCCCGGAGGCTGCGGTGGAAATGCTCCCCGGAAATTCAAGGCC[A>C]CTTAGCCTCCTCGGCAGAAAAACTTCAACGGTAAGGATAACCGAAGTCTCCTTTGAGGGG-3'
Protein context (NP_065574.4, residues 484-504): RWKCSPEIQG[His494Pro]LASSAEKLQR